The following is an entry in ClinVar:

NM_014516.4(CNOT3):c.2127C>T (p.His709=)

Gene: CNOT3 (CCR4-NOT transcription complex subunit 3; plus strand). Cytogenetic location: 19q13.42.
Variant type: single nucleotide variant.
Coding change: c.2127C>T on transcript NM_014516.4 (MANE Select); coding-DNA position 2127, C replaced by T.
Protein change: p.His709=; no amino-acid change (histidine 709 retained).
Molecular consequence: synonymous variant.
Genome position (GRCh38, 1-based): chr19:54,153,804, C>T. VCF-style: chr19-54153804-C-T. GRCh37 (hg19) VCF-style: chr19-54657541-C-T.
Identifiers: ClinVar variation 3250558 (VCV003250558.19), dbSNP rs376265364.

ClinVar aggregate classification (germline): Likely benign. Review status: criteria provided, multiple submitters, no conflicts (2 of 4 stars). 2 submissions from 2 submitters: Likely benign (2). Last evaluated 2024-06-01.

Allele frequency attached by ClinVar (database versions not stated): ExAC 0.00001; gnomAD exomes 0.00002; TOPMed 0.00002; gnomAD 0.00005; ESP Exome Variant Server 0.00008.
gnomAD v4.1: 45 of 1,614,090 alleles (0.0028%); highest among the groups gnomAD compares: Middle Eastern, 0.016%; no homozygotes.

Submissions (2):

CeGaT Center for Human Genetics Tuebingen
Classification: Likely benign. Last evaluated: 2024-06-01. Review status: criteria provided, single submitter. Criteria: CeGaT Center For Human Genetics Tuebingen Variant Classification Criteria Version 2. Collection method: clinical testing. Allele origin: germline. Affected: yes. Observed: 1 variant allele.
Comment: CNOT3: BP4, BP7

Blueprint Genetics
Classification: Likely benign. Last evaluated: 2021-07-29. Review status: criteria provided, single submitter. Criteria: ACMG Guidelines, 2015. Collection method: clinical testing. Allele origin: germline.